The following is an entry in ClinVar:

ClinVar aggregate classification (germline): Uncertain significance (1 of 4 stars; one submission).

Allele frequency attached by ClinVar (database versions not stated): gnomAD exomes below 0.00001.
gnomAD v4.1: 1 of 1,614,214 alleles (0.000062%); highest among the groups gnomAD compares: Admixed American, 0.0017%; no homozygotes.

Submission:

Athena Diagnostics
Classification: Uncertain significance. Last evaluated: 2023-07-07. Review status: criteria provided, single submitter. Criteria: Athena Diagnostics Criteria. Collection method: clinical testing. Allele origin: unknown.
Comment: Available data are insufficient to determine the clinical significance of the variant at this time. The frequency of this variant in the general population is uninformative in assessment of its pathogenicity. Computational tools predict that this variant is not damaging.

NM_014363.6(SACS):c.1028A>G (p.His343Arg)

Gene: SACS (sacsin molecular chaperone; minus strand). Cytogenetic location: 13q12.12.
Variant type: single nucleotide variant.
Coding change: c.1028A>G on transcript NM_014363.6 (MANE Select); coding-DNA position 1028, A replaced by G.
Protein change: p.His343Arg; replaces histidine 343 with arginine.
Molecular consequence: missense variant.
Genome position (GRCh38, 1-based): chr13:23,355,584, T>C on the plus strand (A>G on the coding strand, the complement: SACS is on the minus strand). VCF-style: chr13-23355584-T-C. GRCh37 (hg19) VCF-style: chr13-23929723-T-C.
Other names: c.587A>G, p.His196Arg (NM_001278055.2); short protein forms H196R, H343R.
Identifiers: ClinVar variation 2684323 (VCV002684323.1), dbSNP rs1340439183, ClinGen allele CA387550490.
Genomic context (GRCh38, chr13:23,355,584, plus strand): 5'-GTCTTTTTACAATAGTTACTTATAGCAGTTCCCAGAATCTTTATAGAATTCGGCCGCTCA[T>C]GTTTCAGTGCCTTACTCTCACTCGAAGTCACTCTAAACACCAGTTTCTCTGTTCCGTCAG-3'
Protein context (NP_055178.3, residues 333-353): VTSSESKALK[His343Arg]ERPNSIKILG